The following is an entry in ClinVar:

ClinVar aggregate classification (germline): Benign. Review status: criteria provided, single submitter (1 of 4 stars). 2 submissions from 2 submitters: Benign (1). 1 of the submissions does not count toward it. Last evaluated 2022-05-17.

Conditions:
GLI3-related disorder. Also called: GLI3-related condition; GLI3-related disorders. Identifiers: MedGen CN239292.
Greig cephalopolysyndactyly syndrome (GCPS). Also called: Greig syndrome; POLYSYNDACTYLY WITH PECULIAR SKULL SHAPE; GLI3-Related Greig Cephalopolysyndactyly Syndrome. Identifiers: Orphanet 380, MedGen C0265306, MONDO:0008287, OMIM 175700.
Pallister-Hall syndrome (PHS). Also called: GLI3-Related Pallister-Hall Syndrome; HYPOTHALAMIC HAMARTOBLASTOMA, HYPOPITUITARISM, IMPERFORATE ANUS, AND POSTAXIAL POLYDACTYLY. Identifiers: Orphanet 672, MedGen C0265220, MONDO:0007804, OMIM 146510.

Allele frequency attached by ClinVar (database versions not stated): gnomAD exomes 0.00002; ExAC 0.00007; gnomAD 0.00015; TOPMed 0.00015; 1000 Genomes Project 30x 0.00016; 1000 Genomes Project 0.00020; ESP Exome Variant Server 0.00023.
gnomAD v4.1: 50 of 1,607,842 alleles (0.0031%); highest among the groups gnomAD compares: African/African-American, 0.061%; no homozygotes.

Submissions (2):

Labcorp Genetics (formerly Invitae), Labcorp
Classification: Benign for Pallister-Hall syndrome; Greig cephalopolysyndactyly syndrome. Last evaluated: 2022-05-17. Review status: criteria provided, single submitter. Criteria: Invitae Variant Classification Sherloc (09022015). Collection method: clinical testing. Allele origin: germline.

PreventionGenetics, part of Exact Sciences
Classification: Likely benign for GLI3-related condition. Last evaluated: 2023-08-03. Review status: no assertion criteria provided. Collection method: clinical testing. Allele origin: germline. Not counted in ClinVar's aggregate classification.
Comment: This variant is classified as likely benign based on ACMG/AMP sequence variant interpretation guidelines (Richards et al. 2015 PMID: 25741868, with internal and published modifications).

NM_000168.6(GLI3):c.2803G>A (p.Ala935Thr)

Gene: GLI3 (GLI family zinc finger 3; minus strand). Cytogenetic location: 7p14.1.
Variant type: single nucleotide variant.
Coding change: c.2803G>A on transcript NM_000168.6 (MANE Select); coding-DNA position 2803, G replaced by A.
Protein change: p.Ala935Thr; replaces alanine 935 with threonine.
Molecular consequence: missense variant.
Genome position (GRCh38, 1-based): chr7:41,966,270, C>T on the plus strand (G>A on the coding strand, the complement: GLI3 is on the minus strand). VCF-style: chr7-41966270-C-T. GRCh37 (hg19) VCF-style: chr7-42005868-C-T.
Other names: c.2803G>A (NM_000168.5); short protein forms A935T.
Identifiers: ClinVar variation 2178792 (VCV002178792.6), dbSNP rs148276775, ClinGen allele CA4230520.